The following is an entry in ClinVar:

NM_001567.4(INPPL1):c.129C>T (p.Ser43=)

Genes: INPPL1 (inositol polyphosphate phosphatase like 1; plus strand), LOC130006328 (ATAC-STARR-seq lymphoblastoid silent region 3717; plus strand). Cytogenetic location: 11q13.4.
Variant type: single nucleotide variant.
Coding change: c.129C>T on transcript NM_001567.4 (MANE Select); coding-DNA position 129, C replaced by T.
Protein change: p.Ser43=; no amino-acid change (serine 43 retained).
Molecular consequence: synonymous variant.
Genome position (GRCh38, 1-based): chr11:72,225,113, C>T. VCF-style: chr11-72225113-C-T. GRCh37 (hg19) VCF-style: chr11-71936157-C-T.
Other names: c.129C>T (NM_001567.3).
Identifiers: ClinVar variation 1587943 (VCV001587943.10), dbSNP rs1290389677, ClinGen allele CA475606322.
Genomic context (GRCh38, chr11:72,225,113, plus strand): 5'-CCGCGACCTGAGCCGGGCGGCCGCGGAGGAGCTGCTGGCCCGGGCGGGCCGCGATGGCAG[C>T]TTCCTGGTCCGAGACAGCGAGAGCGTGGCGGGGGCCTTCGCGCTCTGCGTCCTGTGAGTG-3'
Protein context (NP_001558.3, residues 33-53): ELLARAGRDG[Ser43=]FLVRDSESVA

ClinVar aggregate classification (germline): Likely benign. Review status: criteria provided, single submitter (1 of 4 stars). 2 submissions from 2 submitters: Likely benign (1). 1 of the submissions does not count toward it. Last evaluated 2021-10-29.

Conditions:
INPPL1-related disorder. Also called: INPPL1-related condition.

Allele frequency attached by ClinVar (database versions not stated): gnomAD 0.00001; gnomAD exomes 0.00001; TOPMed 0.00002.
gnomAD v4.1: 9 of 1,232,904 alleles (0.00073%); highest among the groups gnomAD compares: Non-Finnish European, 0.0001%; no homozygotes.

Submissions (2):

Labcorp Genetics (formerly Invitae), Labcorp
Classification: Likely benign. Last evaluated: 2021-10-29. Review status: criteria provided, single submitter. Criteria: Invitae Variant Classification Sherloc (09022015). Collection method: clinical testing. Allele origin: germline.

PreventionGenetics, part of Exact Sciences
Classification: Likely benign for INPPL1-related condition. Last evaluated: 2020-10-28. Review status: no assertion criteria provided. Collection method: clinical testing. Allele origin: germline. Not counted in ClinVar's aggregate classification.
Comment: This variant is classified as likely benign based on ACMG/AMP sequence variant interpretation guidelines (Richards et al. 2015 PMID: 25741868, with internal and published modifications).